The following is an entry in ClinVar:

ClinVar aggregate classification (germline): Pathogenic (1 of 4 stars; one submission).

Conditions:
Renal cysts and diabetes syndrome (RCAD). Also called: Familial hypoplastic, glomerulocystic kidney; MATURITY-ONSET DIABETES OF THE YOUNG, TYPE 5. Identifiers: Orphanet 93111, MedGen C0431693, MONDO:0007669, OMIM 137920.

Submission:

Institute of Human Genetics, FAU Erlangen, Friedrich-Alexander-Universität Erlangen-Nürnberg
Classification: Pathogenic for Renal cysts and diabetes syndrome. Last evaluated: 2019-07-06. Review status: criteria provided, single submitter. Criteria: ACMG Guidelines, 2015. Collection method: literature only. Allele origin: germline. Affected: yes.
Comment: This variant and it's classification has been reported by Vasileiou et al. 2019; DOI:10.1101/576918. The variants has previously been reported in PMID:25700310; PMID:16133182 as "c.1118_1147del29" with clinical significance Pathogenic. It has been re-classified using InterVar and manual curation as Pathogenic based on PS3 PM1 PM2 PM4 PP3.

Literature cited by the submitters: PubMed 25700310; PubMed 16133182; DOI 10.1101/576918.

NM_000458.4(HNF1B):c.1118_1147del (p.Ala373_Gln383delinsGlu)

Gene: HNF1B (HNF1 homeobox B; minus strand). Cytogenetic location: 17q12.
Variant type: Deletion.
Coding change: c.1118_1147del on transcript NM_000458.4 (MANE Select); coding-DNA positions 1118 to 1147, 30 bases deleted (CCATGGTGACCAGCCAGTCGGTTTTACAGC).
Protein change: p.Ala373_Gln383delinsGlu.
Molecular consequence: inframe indel.
Genome position (GRCh38, 1-based): chr17:37,710,562-37,710,591, GCTGTAAAACCGACTGGCTGGTCACCATGG deleted on the plus strand (CCATGGTGACCAGCCAGTCGGTTTTACAGC on the coding strand, the reverse complement: HNF1B is on the minus strand). VCF-style (leftmost placement, unchanged base first): chr17-37710561-TGCTGTAAAACCGACTGGCTGGTCACCATGG-T. GRCh37 (hg19) VCF-style: chr17-36070569-TGCTGTAAAACCGACTGGCTGGTCACCATGG-T.
Other names: c.1040_1069del, p.Ala347_Gln357delinsGlu (NM_001165923.4, NM_001304286.2).
Identifiers: ClinVar variation 635603 (VCV000635603.1), dbSNP rs2511723592, ClinGen allele CA913190757.